The following is an entry in ClinVar:

NM_001040716.2(PC):c.903+2T>A

Gene: PC (pyruvate carboxylase; minus strand). Cytogenetic location: 11q13.2.
Variant type: single nucleotide variant.
Coding change: c.903+2T>A on transcript NM_001040716.2 (MANE Select); the canonical splice donor site of the intron after coding-DNA position 903, T replaced by A.
Molecular consequence: splice donor variant.
Genome position (GRCh38, 1-based): chr11:66,870,300, A>T on the plus strand (T>A on the coding strand, the complement: PC is on the minus strand). VCF-style: chr11-66870300-A-T. GRCh37 (hg19) VCF-style: chr11-66637771-A-T.
Other names: c.903+2T>A (NM_000920.4, NM_022172.3).
Identifiers: ClinVar variation 944546 (VCV000944546.8), dbSNP rs1946669738, ClinGen allele CA381501044.
Genomic context (GRCh38, chr11:66,870,300, plus strand): 5'-TGTGAGGCCTGCCGGCCTGTGAGCACAGGCTCCTGTCCCAACACGGGAAGCCCACCCTTC[A>T]CCTGTTTAGCGAGTTTCACAGAGTCGCTGGTGAGCCGAGTCCGAAGCTGCGGGTCCAGGT-3'

ClinVar aggregate classification (germline): Likely pathogenic (1 of 4 stars; one submission).

Conditions:
Pyruvate carboxylase deficiency. Also called: Pyruvate Carboxylase Deficiency Disease; ATAXIA WITH LACTIC ACIDOSIS II; LEIGH NECROTIZING ENCEPHALOPATHY DUE TO PYRUVATE CARBOXYLASE DEFICIENCY; LEIGH SYNDROME DUE TO PYRUVATE CARBOXYLASE DEFICIENCY; PC DEFICIENCY. Identifiers: Orphanet 3008, MedGen C0034341, MONDO:0009949, OMIM 266150.

Submission:

Labcorp Genetics (formerly Invitae), Labcorp
Classification: Likely pathogenic for Pyruvate carboxylase deficiency. Last evaluated: 2019-07-07. Review status: criteria provided, single submitter. Criteria: Invitae Variant Classification Sherloc (09022015). Collection method: clinical testing. Allele origin: germline.
Comment: This sequence change affects a donor splice site in intron 8 of the PC gene. It is expected to disrupt RNA splicing and likely results in an absent or disrupted protein product. This variant is not present in population databases (ExAC no frequency). This variant has not been reported in the literature in individuals with PC-related conditions. Algorithms developed to predict the effect of sequence changes on RNA splicing suggest that this variant may disrupt the consensus splice site, but this prediction has not been confirmed by published transcriptional studies. Donor and acceptor splice site variants typically lead to a loss of protein function (PMID: 16199547), and loss-of-function variants in PC are known to be pathogenic (PMID: 12112657, 19306334). In summary, the currently available evidence indicates that the variant is pathogenic, but additional data are needed to prove that conclusively. Therefore, this variant has been classified as Likely Pathogenic.

Literature cited by the submitters: PubMed 16199547; PubMed 12112657; PubMed 19306334.